The following is an entry in ClinVar:

NM_001018005.2(TPM1):c.240+21C>T

Gene: TPM1 (tropomyosin 1; plus strand). Cytogenetic location: 15q22.2.
Variant type: single nucleotide variant.
Coding change: c.240+21C>T on transcript NM_001018005.2 (MANE Select); 21 bases into the intron after coding-DNA position 240, C replaced by T.
Molecular consequence: intron variant.
Genome position (GRCh38, 1-based): chr15:63,044,173, C>T. VCF-style: chr15-63044173-C-T. GRCh37 (hg19) VCF-style: chr15-63336372-C-T.
Other names: c.366+21C>T (NM_001365778.1); c.240+342C>T (NM_001018020.2, NM_001018007.2, NM_001301244.2); c.240+21C>T (NM_001018006.2, NM_001365776.1, NM_001018004.2 and 4 more transcripts).
Identifiers: ClinVar variation 1297624 (VCV001297624.4), dbSNP rs201979210, ClinGen allele CA027839.

ClinVar aggregate classification (germline): Likely benign. Review status: criteria provided, single submitter (1 of 4 stars). 3 submissions from 3 submitters: Likely benign (1). 2 of the submissions do not count toward it. Last evaluated 2025-04-09.

Allele frequency attached by ClinVar (database versions not stated): ESP Exome Variant Server 0.00008; 1000 Genomes Project 30x 0.00016; ExAC 0.00018; 1000 Genomes Project 0.00020; gnomAD exomes 0.00020 and 0.00049; gnomAD 0.00021 and 0.00023; TOPMed 0.00024.
gnomAD v4.1: 759 of 1,614,188 alleles (0.047%); highest among the groups gnomAD compares: Non-Finnish European, 0.06%; no homozygotes.

Submissions (3):

Molecular Diagnostic Laboratory for Inherited Cardiovascular Disease, Montreal Heart Institute
Classification: Likely benign. Last evaluated: 2025-04-09. Review status: criteria provided, single submitter. Criteria: ACMG Guidelines, 2015. Collection method: clinical testing. Allele origin: germline. Affected: no.
Comment: BS1

Clinical Genetics DNA and cytogenetics Diagnostics Lab, Erasmus MC, Erasmus Medical Center
Classification: Benign. Review status: no assertion criteria provided. Collection method: clinical testing. Allele origin: germline. Affected: yes. Study: VKGL Data-share Consensus. Not counted in ClinVar's aggregate classification.

Joint Genome Diagnostic Labs from Nijmegen and Maastricht, Radboudumc and MUMC+
Classification: Benign. Review status: no assertion criteria provided. Collection method: clinical testing. Allele origin: germline. Affected: yes. Study: VKGL Data-share Consensus. Not counted in ClinVar's aggregate classification.